The following is an entry in ClinVar:

NM_000503.6(EYA1):c.1444G>T (p.Ala482Ser)

Gene: EYA1 (EYA transcriptional coactivator and phosphatase 1; minus strand). Cytogenetic location: 8q13.3.
Variant type: single nucleotide variant.
Coding change: c.1444G>T on transcript NM_000503.6 (MANE Select); coding-DNA position 1444, G replaced by T.
Protein change: p.Ala482Ser; replaces alanine 482 with serine.
Molecular consequence: missense variant.
Genome position (GRCh38, 1-based): chr8:71,215,645, C>A on the plus strand (G>T on the coding strand, the complement: EYA1 is on the minus strand). VCF-style: chr8-71215645-C-A. GRCh37 (hg19) VCF-style: chr8-72127880-C-A.
Other names: c.1426G>T, p.Ala476Ser (NM_001288574.2, NM_172059.5); c.1078G>T, p.Ala360Ser (NM_001288575.2); c.1531G>T, p.Ala511Ser (NM_001370333.1); c.1444G>T, p.Ala482Ser (NM_001370334.1, NM_001370335.1, NM_172058.4); c.1423G>T, p.Ala475Ser (NM_001370336.1); c.1345G>T, p.Ala449Ser (NM_001411797.1, NM_172060.4); short protein forms A360S, A449S, A475S, A476S, A482S, A511S.
Identifiers: ClinVar variation 4540581 (VCV004540581.1).

ClinVar aggregate classification (germline): Uncertain significance (1 of 4 stars; one submission).

Conditions:
Monogenic hearing loss.

gnomAD v4.1: 4 of 1,614,116 alleles (0.00025%); highest among the groups gnomAD compares: Non-Finnish European, 0.00034%; no homozygotes.

Submission:

Genetics Laboratory, Great Ormond Street Hospital NHS Foundation Trust, North Thames Genomic Laboratory Hub
Classification: Uncertain significance for Monogenic hearing loss. Last evaluated: 2025-11-06. Review status: criteria provided, single submitter. Criteria: ACGS Best Practice Guidelines for Variant Classification in Rare Disease 2024 v1.2. Collection method: clinical testing. Allele origin: germline. Affected: yes.
Comment: PM2_moderate, PP3_supporting, PP4_supporting